The following is an entry in ClinVar:

NM_144687.4(NLRP12):c.505C>T (p.Pro169Ser)

Gene: NLRP12 (NLR family pyrin domain containing 12; minus strand). Cytogenetic location: 19q13.42.
Variant type: single nucleotide variant.
Coding change: c.505C>T on transcript NM_144687.4 (MANE Select); coding-DNA position 505, C replaced by T.
Protein change: p.Pro169Ser; replaces proline 169 with serine.
Molecular consequence: missense variant.
Genome position (GRCh38, 1-based): chr19:53,811,154, G>A on the plus strand (C>T on the coding strand, the complement: NLRP12 is on the minus strand). VCF-style: chr19-53811154-G-A. GRCh37 (hg19) VCF-style: chr19-54314408-G-A.
Other names: c.505C>T, p.Pro169Ser (NM_001277126.2, NM_001277129.1); short protein forms P169S.
Identifiers: ClinVar variation 1978696 (VCV001978696.4), dbSNP rs2514352552, ClinGen allele CA407416707.

ClinVar aggregate classification (germline): Uncertain significance (1 of 4 stars; one submission).

Conditions:
Familial cold autoinflammatory syndrome 2 (FCAS2). Identifiers: Orphanet 247868, MedGen C2673198, MONDO:0012724, OMIM 611762.

Submission:

Labcorp Genetics (formerly Invitae), Labcorp
Classification: Uncertain significance for Familial cold autoinflammatory syndrome 2. Last evaluated: 2022-08-23. Review status: criteria provided, single submitter. Criteria: Invitae Variant Classification Sherloc (09022015). Collection method: clinical testing. Allele origin: germline.
Comment: This sequence change replaces proline, which is neutral and non-polar, with serine, which is neutral and polar, at codon 169 of the NLRP12 protein (p.Pro169Ser). This variant is not present in population databases (gnomAD no frequency). This variant has not been reported in the literature in individuals affected with NLRP12-related conditions. Algorithms developed to predict the effect of missense changes on protein structure and function are either unavailable or do not agree on the potential impact of this missense change (SIFT: "Tolerated"; PolyPhen-2: "Probably Damaging"; Align-GVGD: "Class C0"). In summary, the available evidence is currently insufficient to determine the role of this variant in disease. Therefore, it has been classified as a Variant of Uncertain Significance.